The following is an entry in ClinVar:

ClinVar aggregate classification (germline): Uncertain significance (1 of 4 stars; one submission).

Allele frequency attached by ClinVar (database versions not stated): gnomAD 0.00002; TOPMed 0.00002; ESP Exome Variant Server 0.00008.
gnomAD v4.1: 27 of 1,613,792 alleles (0.0017%); highest among the groups gnomAD compares: South Asian, 0.0022%; no homozygotes.

Submission:

Labcorp Genetics (formerly Invitae), Labcorp
Classification: Uncertain significance. Last evaluated: 2025-11-23. Review status: criteria provided, single submitter. Criteria: Invitae Variant Classification Sherloc (09022015). Collection method: clinical testing. Allele origin: germline.
Comment: This sequence change replaces proline, which is neutral and non-polar, with leucine, which is neutral and non-polar, at codon 382 of the DDX58 protein (p.Pro382Leu). This variant is present in population databases (rs141073676, gnomAD 0.02%). This variant has not been reported in the literature in individuals affected with DDX58-related conditions. ClinVar contains an entry for this variant (Variation ID: 1349066). Invitae Evidence Modeling of protein sequence and biophysical properties (such as structural, functional, and spatial information, amino acid conservation, physicochemical variation, residue mobility, and thermodynamic stability) indicates that this missense variant is expected to disrupt DDX58 protein function with a positive predictive value of 80%. In summary, the available evidence is currently insufficient to determine the role of this variant in disease. Therefore, it has been classified as a Variant of Uncertain Significance.

NM_014314.4(RIGI):c.1145C>T (p.Pro382Leu)

Gene: RIGI (RNA sensor RIG-I; minus strand). Cytogenetic location: 9p21.1.
Variant type: single nucleotide variant.
Coding change: c.1145C>T on transcript NM_014314.4 (MANE Select); coding-DNA position 1145, C replaced by T.
Protein change: p.Pro382Leu; replaces proline 382 with leucine.
Molecular consequence: missense variant.
Genome position (GRCh38, 1-based): chr9:32,488,012, G>A on the plus strand (C>T on the coding strand, the complement: RIGI is on the minus strand). VCF-style: chr9-32488012-G-A. GRCh37 (hg19) VCF-style: chr9-32488010-G-A.
Other names: c.1139C>T, p.Pro380Leu (NM_001385907.1); c.1145C>T, p.Pro382Leu (NM_001385909.1); c.704C>T, p.Pro235Leu (NM_001385910.1); c.536C>T, p.Pro179Leu (NM_001385912.1); c.1130C>T, p.Pro377Leu (NM_001385913.1); c.701C>T, p.Pro234Leu (NM_001385914.1); short protein forms P234L, P235L, P377L, P179L, P380L, P382L.
Identifiers: ClinVar variation 1349066 (VCV001349066.6), dbSNP rs141073676, ClinGen allele CA5019907.